The following is an entry in ClinVar:

ClinVar aggregate classification (germline): Uncertain significance. Review status: criteria provided, multiple submitters, no conflicts (2 of 4 stars). 2 submissions from 2 submitters: Uncertain significance (2). Last evaluated 2024-02-20.

Conditions:
Hereditary breast ovarian cancer syndrome. Also called: Hereditary breast and ovarian cancer syndrome (HBOC); BRCA1- and BRCA2-Associated Hereditary Breast and Ovarian Cancer; Hereditary breast and/or ovarian cancer syndrome; Hereditary breast and ovarian cancer syndrome; Hereditary breast and ovarian cancer; Breast and ovarian cancer. Identifiers: Orphanet 145, MedGen C0677776, MeSH D061325, MONDO:0003582. Disease mechanism: loss of function.
Hereditary cancer-predisposing syndrome. Also called: Neoplastic Syndromes, Hereditary; Hereditary neoplastic syndrome; Tumor predisposition; Hereditary Cancer Syndrome. Identifiers: Orphanet 140162, MedGen C0027672, MeSH D009386, MONDO:0015356.

Submissions (3):

Ambry Genetics
Classification: Uncertain significance for Hereditary cancer-predisposing syndrome. Last evaluated: 2024-02-20. Review status: criteria provided, single submitter. Criteria: Ambry Variant Classification Scheme 2023. Collection method: clinical testing. Allele origin: germline.
Comment: The p.F43L variant (also known as c.127T>C), located in coding exon 2 of the BRCA1 gene, results from a T to C substitution at nucleotide position 127. The phenylalanine at codon 43 is replaced by leucine, an amino acid with highly similar properties. This amino acid position is highly conserved in available vertebrate species. In addition, this alteration is predicted to be deleterious by in silico analysis. Based on the available evidence, the clinical significance of this alteration remains unclear.

Labcorp Genetics (formerly Invitae), Labcorp
Classification: Uncertain significance for Hereditary breast ovarian cancer syndrome. Last evaluated: 2021-08-12. Review status: criteria provided, single submitter. Criteria: Invitae Variant Classification Sherloc (09022015). Collection method: clinical testing. Allele origin: germline.
Comment: This sequence change replaces phenylalanine with leucine at codon 43 of the BRCA1 protein (p.Phe43Leu). The phenylalanine residue is highly conserved and there is a small physicochemical difference between phenylalanine and leucine. This variant is not present in population databases (ExAC no frequency). This variant has not been reported in the literature in individuals affected with BRCA1-related conditions. ClinVar contains an entry for this variant (Variation ID: 441319). Advanced modeling of experimental studies (such as gene expression, population dynamics, functional pathways, and cell-cycle effects in cell culture) performed at Invitae indicates that this missense variant is expected to disrupt BRCA1 protein function. Experimental studies are conflicting or provide insufficient evidence to determine the effect of this variant on BRCA1 function (PMID: 30209399). In summary, the available evidence is currently insufficient to determine the role of this variant in disease. Therefore, it has been classified as a Variant of Uncertain Significance.

Brotman Baty Institute, University of Washington
No classification provided (evidence only). Condition: Breast-ovarian cancer, familial 1. Review status: no classification provided. Collection method: in vitro. Allele origin: not applicable. Functional consequence: function_uncertain_variant. Not counted in ClinVar's aggregate classification.
ClinVar note: "not provided" was previously submitted as the classification for the variant. However, the classification appeared to be based only on an observation of functional data so it was converted to no classification on 2025-07-30.

Literature cited by the submitters: PubMed 30209399 (cited by Labcorp Genetics (formerly Invitae), Labcorp).

NM_007294.4(BRCA1):c.127T>C (p.Phe43Leu)

Gene: BRCA1 (BRCA1 DNA repair associated; minus strand). Cytogenetic location: 17q21.31.
Variant type: single nucleotide variant.
Coding change: c.127T>C on transcript NM_007294.4 (MANE Select); coding-DNA position 127, T replaced by C.
Protein change: p.Phe43Leu; replaces phenylalanine 43 with leucine.
Molecular consequence: missense variant. On other transcripts: non-coding transcript variant (1), intron variant (1).
Genome position (GRCh38, 1-based): chr17:43,115,733, A>G on the plus strand (T>C on the coding strand, the complement: BRCA1 is on the minus strand). VCF-style: chr17-43115733-A-G. GRCh37 (hg19) VCF-style: chr17-41267750-A-G.
Other names: c.-62T>C (NM_001407571.1, NM_001407853.1, NM_001407879.1 and 52 more transcripts); c.127T>C, p.Phe43Leu (NM_001407581.1, NM_001407582.1, NM_001407583.1 and 192 more transcripts); c.-131T>C (NM_001407694.1, NM_001407696.1, NM_001407724.1 and 13 more transcripts); c.-135T>C (NM_001407695.1, NM_001408465.1); c.-15T>C (NM_001407697.1, NM_001407725.1, NM_001407728.1 and 47 more transcripts); c.-11T>C (NM_001407841.1); c.-178T>C (NM_001407889.1, NM_001407900.1, NM_001408492.1); c.-177T>C (NM_001407960.1, NM_001407962.1, NM_001408510.1 and 1 more transcripts); and 2 more; short protein forms F43L.
Identifiers: ClinVar variation 441319 (VCV000441319.10), dbSNP rs1555599214, ClinGen allele CA10601904.
Genomic context (GRCh38, chr17:43,115,733, plus strand): 5'-GAAGGACAAAAACAAAAGCTAATAATGGAGCCACATAACACATTCAAACTTACTTGCAAA[A>G]TATGTGGTCACACTTTGTGGAGACAGGTTCCTTGATCAACTCCAGACTAGCAGGGTAGGG-3'
Protein context (NP_009225.1, residues 33-53): EPVSTKCDHI[Phe43Leu]CKFCMLKLLN